The following is an entry in ClinVar:

ClinVar aggregate classification (germline): Conflicting classifications of pathogenicity. Review status: criteria provided, conflicting classifications (1 of 4 stars). 3 submissions from 3 submitters: Uncertain significance (2); Likely benign (1). Last evaluated 2024-08-27.

Conditions:
Inborn genetic diseases. Identifiers: MedGen C0950123, MeSH D030342.
Multiple acyl-CoA dehydrogenase deficiency (MADD). Also called: ETHYLMALONIC-ADIPICACIDURIA; GA II; Glutaric aciduria, type 2; Glutaric acidemia type II; GA 2; Glutaric Acidemia type 2. Identifiers: Orphanet 26791, MedGen C0268596, MONDO:0009282, OMIM 231680.

Allele frequency attached by ClinVar (database versions not stated): ExAC 0.00001; gnomAD exomes 0.00002; TOPMed 0.00002; 1000 Genomes Project 0.00020; 1000 Genomes Project 30x 0.00062.
gnomAD v4.1: 16 of 1,601,196 alleles (0.001%); highest among the groups gnomAD compares: East Asian, 0.018%; no homozygotes.

Submissions (3):

Ambry Genetics
Classification: Uncertain significance for Inborn genetic diseases. Last evaluated: 2024-08-27. Review status: criteria provided, single submitter. Criteria: Ambry Variant Classification Scheme 2023. Collection method: clinical testing. Allele origin: germline.

Illumina Laboratory Services, Illumina
Classification: Uncertain significance for Multiple acyl-CoA dehydrogenase deficiency. Last evaluated: 2018-01-12. Review status: criteria provided, single submitter. Criteria: ICSL Variant Classification Criteria 13 December 2019. Collection method: clinical testing. Allele origin: germline.

GeneDx
Classification: Likely benign. Last evaluated: 2013-06-18. Review status: criteria provided, single submitter. Criteria: GeneDx Variant Classification (06012015). Collection method: clinical testing. Allele origin: germline. Affected: yes.
Comment: This variant is considered likely benign or benign based on one or more of the following criteria: it is a conservative change, it occurs at a poorly conserved position in the protein, it is predicted to be benign by multiple in silico algorithms, and/or has population frequency not consistent with disease.

NM_004453.4(ETFDH):c.91A>G (p.Thr31Ala)

Gene: ETFDH (electron transfer flavoprotein dehydrogenase; plus strand). Cytogenetic location: 4q32.1.
Variant type: single nucleotide variant.
Coding change: c.91A>G on transcript NM_004453.4 (MANE Select); coding-DNA position 91, A replaced by G.
Protein change: p.Thr31Ala; replaces threonine 31 with alanine.
Molecular consequence: missense variant. On other transcripts: intron variant (1).
Genome position (GRCh38, 1-based): chr4:158,680,523, A>G. VCF-style: chr4-158680523-A-G. GRCh37 (hg19) VCF-style: chr4-159601675-A-G.
Other names: p.T31A:ACA>GCA; c.35-1672A>G (NM_001281737.2); short protein forms T31A.
Identifiers: ClinVar variation 203711 (VCV000203711.6), dbSNP rs182144074, ClinGen allele CA312521.
Genomic context (GRCh38, chr4:158,680,523, plus strand): 5'-GCAGCATATCAGTGCTTTCATGCCTTAAAAATTAAGAAAAATTATCTACCTCTATGTGCT[A>G]CAAGATGGTCTTCAACTTCTACTGTGCCTCGAATTACTACCCATTATACTATTTATCCCC-3'
Protein context (NP_004444.2, residues 21-41): IKKNYLPLCA[Thr31Ala]RWSSTSTVPR